The following is an entry in ClinVar:

NM_001033855.3(DCLRE1C):c.589A>G (p.Ser197Gly)

Gene: DCLRE1C (DNA cross-link repair 1C; minus strand). Cytogenetic location: 10p13.
Variant type: single nucleotide variant.
Coding change: c.589A>G on transcript NM_001033855.3 (MANE Select); coding-DNA position 589, A replaced by G.
Protein change: p.Ser197Gly; replaces serine 197 with glycine.
Molecular consequence: missense variant. On other transcripts: non-coding transcript variant (4).
Genome position (GRCh38, 1-based): chr10:14,934,469, T>C on the plus strand (A>G on the coding strand, the complement: DCLRE1C is on the minus strand). VCF-style: chr10-14934469-T-C. GRCh37 (hg19) VCF-style: chr10-14976468-T-C.
Other names: NM_001033855.3(DCLRE1C):c.589A>G; p.Ser197Gly; c.229A>G, p.Ser77Gly (NM_001033857.3, NM_001033858.3, NM_001289077.2 and 2 more transcripts); c.244A>G, p.Ser82Gly (NM_001289076.2, NM_001289078.2, NM_001350966.2 and 1 more transcripts); c.589A>G, p.Ser197Gly (NM_001350965.2); c.589A>G (NM_001033855.1); short protein forms S197G, S77G, S82G.
Identifiers: ClinVar variation 653423 (VCV000653423.11), dbSNP rs1252776122, ClinGen allele CA376059549.
Genomic context (GRCh38, chr10:14,934,469, plus strand): 5'-TGAACAGATATTCATAGCCATAAGCCGCTTTGCAGTTCAGCCACACAACATGGTACGGGC[T>C]CCGAGTGATCCAGCTTCGGACCAGCTCTAAGACTCCACTTAAACACTCCTCCTAGACAGG-3'
Protein context (NP_001029027.1, residues 187-207): LELVRSWITR[Ser197Gly]PYHVVWLNCK

ClinVar aggregate classification (germline): Uncertain significance. Review status: reviewed by expert panel (3 of 4 stars). 4 submissions from 4 submitters: Uncertain significance (1). 3 of the submissions do not count toward it. Last evaluated 2024-06-13.

Conditions:
Athabaskan severe combined immunodeficiency (SCIDA). Also called: Severe combined immunodeficiency, athabascan-type. Identifiers: MedGen C1865370.
Severe combined immunodeficiency due to DCLRE1C deficiency (RS-SCID). Also called: SCID, AUTOSOMAL RECESSIVE, T CELL-NEGATIVE, B CELL-NEGATIVE, NK CELL-POSITIVE, WITH SENSITIVITY TO IONIZING RADIATION. Identifiers: Orphanet 275, MedGen C1865371, MONDO:0011225, OMIM 602450.
Inborn genetic diseases. Identifiers: MedGen C0950123, MeSH D030342.

Allele frequency attached by ClinVar (database versions not stated): gnomAD exomes 0.00001; gnomAD 0.00002; TOPMed 0.00014.
gnomAD v4.1: 9 of 1,614,022 alleles (0.00056%); highest among the groups gnomAD compares: Admixed American, 0.01%; no homozygotes.

Submissions (4):

ClinGen Severe Combined Immunodeficiency Variant Curation Expert Panel, ClinGen
Classification: Uncertain significance for Severe combined immunodeficiency due to DCLRE1C deficiency. Last evaluated: 2024-06-13. Review status: reviewed by expert panel. Criteria: ClinGen SCID ACMG Specifications DCLRE1C V1.0.0. Collection method: curation. Allele origin: germline. Inheritance: Autosomal recessive inheritance.
Comment: The c.589A>G (NM_001033855.3) variant in DCLRE1C is a missense variant predicted to cause substitution of Serine by Glycine at amino acid 197 (p.Ser197Gly). The filtering allele frequency (the upper threshold of the 95% CI of 6/59982) of the c.589A>G variant in DCLRE1C is 0.00004285 for Admixed American chromosomes by gnomAD v4, which is lower than the SCID-VCEP threshold for BS1 (>0.00078) and BA1 (>0.00346) but higher than the threshold (<0.00003266) for PM2_Supporting (BS1 not met, BA1 not met, PM2_Supporting not met). No homozygotes have been observed in gnomAD. To our knowledge, this variant has not been reported in the literature in individuals affected with SCID/DCLRE1C-related conditions or in functional studies. In summary, this variant meets the criteria to be classified as a variant of uncertain significance for autosomal recessive severe combined immunodeficiency due to DCLRE1C deficiency based on the ACMG/AMP criteria applied, as specified by the ClinGen SCID VCEP (specification version 1.0): No criteria were applied.

Ambry Genetics
Classification: Uncertain significance for Inborn genetic diseases. Last evaluated: 2026-03-18. Review status: criteria provided, single submitter. Criteria: Ambry Variant Classification Scheme 2023. Collection method: clinical testing. Allele origin: germline. Not counted in ClinVar's aggregate classification.

Labcorp Genetics (formerly Invitae), Labcorp
Classification: Uncertain significance for Athabaskan severe combined immunodeficiency. Last evaluated: 2022-05-31. Review status: criteria provided, single submitter. Criteria: Invitae Variant Classification Sherloc (09022015). Collection method: clinical testing. Allele origin: germline. Not counted in ClinVar's aggregate classification.
Comment: This sequence change replaces serine, which is neutral and polar, with glycine, which is neutral and non-polar, at codon 197 of the DCLRE1C protein (p.Ser197Gly). This variant is present in population databases (no rsID available, gnomAD 0.003%). This variant has not been reported in the literature in individuals affected with DCLRE1C-related conditions. ClinVar contains an entry for this variant (Variation ID: 653423). Algorithms developed to predict the effect of missense changes on protein structure and function (SIFT, PolyPhen-2, Align-GVGD) all suggest that this variant is likely to be tolerated. In summary, the available evidence is currently insufficient to determine the role of this variant in disease. Therefore, it has been classified as a Variant of Uncertain Significance.

Natera, Inc.
Classification: Uncertain significance for Athabascan severe combined immunodeficiency. Last evaluated: 2020-10-19. Review status: no assertion criteria provided. Collection method: clinical testing. Allele origin: germline. Not counted in ClinVar's aggregate classification.